The following is an entry in ClinVar:

NM_005045.4(RELN):c.6398A>C (p.Glu2133Ala)

Gene: RELN (reelin; minus strand). Cytogenetic location: 7q22.1.
Variant type: single nucleotide variant.
Coding change: c.6398A>C on transcript NM_005045.4 (MANE Select); coding-DNA position 6398, A replaced by C.
Protein change: p.Glu2133Ala; replaces glutamic acid 2133 with alanine.
Molecular consequence: missense variant.
Genome position (GRCh38, 1-based): chr7:103,545,249, T>G on the plus strand (A>C on the coding strand, the complement: RELN is on the minus strand). VCF-style: chr7-103545249-T-G. GRCh37 (hg19) VCF-style: chr7-103185696-T-G.
Other names: c.6398A>C, p.Glu2133Ala (NM_173054.3); short protein forms E2133A.
Identifiers: ClinVar variation 1000064 (VCV001000064.9), dbSNP rs1349996046, ClinGen allele CA368771104.

ClinVar aggregate classification (germline): Uncertain significance (1 of 4 stars; one submission).

Conditions:
Norman-Roberts syndrome (LIS2). Also called: Lissencephaly 2 (Norman-Roberts type). Identifiers: Orphanet 89844, MedGen C0796089, MONDO:0009760, OMIM 257320.
Familial temporal lobe epilepsy 7. Identifiers: Orphanet 101046, MedGen C4225327, MONDO:0014639, OMIM 616436.

Allele frequency attached by ClinVar (database versions not stated): gnomAD exomes below 0.00001; gnomAD 0.00001.
gnomAD v4.1: 3 of 1,613,708 alleles (0.00019%); highest among the groups gnomAD compares: Non-Finnish European, 0.00025%; no homozygotes.

Submission:

Labcorp Genetics (formerly Invitae), Labcorp
Classification: Uncertain significance for Familial temporal lobe epilepsy 7; Norman-Roberts syndrome. Last evaluated: 2020-01-25. Review status: criteria provided, single submitter. Criteria: Invitae Variant Classification Sherloc (09022015). Collection method: clinical testing. Allele origin: germline.
Comment: In summary, the available evidence is currently insufficient to determine the role of this variant in disease. Therefore, it has been classified as a Variant of Uncertain Significance. Algorithms developed to predict the effect of missense changes on protein structure and function are either unavailable or do not agree on the potential impact of this missense change (SIFT: "Deleterious"; PolyPhen-2: "Probably Damaging"; Align-GVGD: "Class C0"). This variant has not been reported in the literature in individuals with RELN-related conditions. This variant is not present in population databases (ExAC no frequency). This sequence change replaces glutamic acid with alanine at codon 2133 of the RELN protein (p.Glu2133Ala). The glutamic acid residue is moderately conserved and there is a moderate physicochemical difference between glutamic acid and alanine.